The following is an entry in ClinVar:

ClinVar aggregate classification (germline): Uncertain significance (1 of 4 stars; one submission).

gnomAD v4.1: 41 of 1,614,072 alleles (0.0025%); highest among the groups gnomAD compares: Non-Finnish European, 0.0034%; no homozygotes.

Submission:

Labcorp Genetics (formerly Invitae), Labcorp
Classification: Uncertain significance. Last evaluated: 2025-09-15. Review status: criteria provided, single submitter. Criteria: Invitae Variant Classification Sherloc (09022015). Collection method: clinical testing. Allele origin: germline.
Comment: This sequence change replaces valine, which is neutral and non-polar, with isoleucine, which is neutral and non-polar, at codon 828 of the FN1 protein (p.Val828Ile). This variant is present in population databases (rs774365523, gnomAD 0.002%). This variant has not been reported in the literature in individuals affected with FN1-related conditions. ClinVar contains an entry for this variant (Variation ID: 3618910). An algorithm developed to predict the effect of missense changes on protein structure and function (PolyPhen-2) suggests that this variant is likely to be disruptive. In summary, the available evidence is currently insufficient to determine the role of this variant in disease. Therefore, it has been classified as a Variant of Uncertain Significance.

NM_212482.4(FN1):c.2482G>A (p.Val828Ile)

Gene: FN1 (fibronectin 1; minus strand). Cytogenetic location: 2q35.
Variant type: single nucleotide variant.
Coding change: c.2482G>A on transcript NM_212482.4 (MANE Select); coding-DNA position 2482, G replaced by A.
Protein change: p.Val828Ile; replaces valine 828 with isoleucine.
Molecular consequence: missense variant.
Genome position (GRCh38, 1-based): chr2:215,408,144, C>T on the plus strand (G>A on the coding strand, the complement: FN1 is on the minus strand). VCF-style: chr2-215408144-C-T. GRCh37 (hg19) VCF-style: chr2-216272867-C-T.
Other names: c.2482G>A, p.Val828Ile (NM_001306129.2, NM_001306130.2, NM_001306131.2 and 13 more transcripts); short protein forms V828I.
Identifiers: ClinVar variation 3618910 (VCV003618910.2).